The following is an entry in ClinVar:

NM_006767.4(LZTR1):c.2325+2T>C

Gene: LZTR1 (leucine zipper like post translational regulator 1; plus strand). Cytogenetic location: 22q11.21.
Variant type: single nucleotide variant.
Coding change: c.2325+2T>C on transcript NM_006767.4 (MANE Select); the canonical splice donor site of the intron after coding-DNA position 2325, T replaced by C.
Molecular consequence: splice donor variant.
Genome position (GRCh38, 1-based): chr22:20,996,803, T>C. VCF-style: chr22-20996803-T-C. GRCh37 (hg19) VCF-style: chr22-21351092-T-C.
Identifiers: ClinVar variation 1789630 (VCV001789630.14), dbSNP rs1252629169, ClinGen allele CA410780954.

ClinVar aggregate classification (germline): Pathogenic/Likely pathogenic. Review status: criteria provided, multiple submitters, no conflicts (2 of 4 stars). 3 submissions from 3 submitters: Pathogenic (2); Likely pathogenic (1). Last evaluated 2025-06-15.

Conditions:
Cardiovascular phenotype. Identifiers: MedGen CN230736.
Hereditary cancer-predisposing syndrome. Also called: Hereditary neoplastic syndrome; Neoplastic Syndromes, Hereditary; Tumor predisposition; Hereditary Cancer Syndrome. Identifiers: Orphanet 140162, MedGen C0027672, MeSH D009386, MONDO:0015356.

gnomAD v4.1: 1 of 1,613,430 alleles (0.000062%); highest among the groups gnomAD compares: Non-Finnish European, 0.000085%; no homozygotes.

Submissions (3):

Ambry Genetics
Classification: Likely pathogenic for Cardiovascular phenotype; Hereditary cancer-predisposing syndrome. Last evaluated: 2025-06-15. Review status: criteria provided, single submitter. Criteria: Ambry Variant Classification Scheme 2023. Collection method: clinical testing. Allele origin: germline.
Comment: The c.2325+2T>C intronic variant results from a T to C substitution two nucleotides after coding exon 19 in the LZTR1 gene. This variant is considered to be rare based on population cohorts in the Genome Aggregation Database (gnomAD). This nucleotide position is highly conserved in available vertebrate species. In silico splice site analysis predicts that this alteration will weaken the native splice donor site. RNA studies have demonstrated that this alteration results in abnormal splicing in the set of samples tested (Ambry internal data). Loss-of-function variants in LZTR1 are related to an increased risk for schwannomas and autosomal recessive Noonan syndrome; however, such associations with autosomal dominant Noonan syndrome have not been observed (Piotrowski A et al. Nat Genet. 2014 Feb;46:182-7; Yamamoto GL et al. J Med Genet. 2015 Jun;52:413-21; Johnston JJ et al. Genet Med. 2018 10;20:1175-1185). Based on the supporting evidence, this variant is likely pathogenic for an increased risk of LZTR1-related schwannomatosis (SWN) and would be expected to cause autosomal recessive Noonan syndrome when present along with a second pathogenic or likely pathogenic variant on the other allele; however, the association of this alteration with autosomal dominant Noonan syndrome is unlikely.

CeGaT Center for Human Genetics Tuebingen
Classification: Pathogenic. Last evaluated: 2025-04-01. Review status: criteria provided, single submitter. Criteria: CeGaT Center For Human Genetics Tuebingen Variant Classification Criteria Version 2. Collection method: clinical testing. Allele origin: germline. Affected: yes. Observed: 1 variant allele.
Comment: LZTR1: PVS1, PM2

Labcorp Genetics (formerly Invitae), Labcorp
Classification: Pathogenic. Last evaluated: 2024-06-25. Review status: criteria provided, single submitter. Criteria: Invitae Variant Classification Sherloc (09022015). Collection method: clinical testing. Allele origin: germline.
Comment: This sequence change affects a donor splice site in intron 19 of the LZTR1 gene. It is expected to disrupt RNA splicing. Variants that disrupt the donor or acceptor splice site typically lead to a loss of protein function (PMID: 16199547), and loss-of-function variants in LZTR1 are known to be pathogenic (PMID: 24362817, 25335493, 25480913, 25795793, 29469822, 30368668, 30442762, 30442766, 30481304, 30859559). This variant is not present in population databases (gnomAD no frequency). Disruption of this splice site has been observed in individual(s) with epileptic encephalopathy or developmental epileptic encephalopathy and/or Noonan syndrome (PMID: 29469822, 31175295). In at least one individual the data is consistent with being in trans (on the opposite chromosome) from a pathogenic variant. ClinVar contains an entry for this variant (Variation ID: 1789630). Algorithms developed to predict the effect of sequence changes on RNA splicing suggest that this variant may disrupt the consensus splice site. For these reasons, this variant has been classified as Pathogenic.

Literature cited by the submitters: PubMed 16199547 (cited by Labcorp Genetics (formerly Invitae), Labcorp); PubMed 24362817 (cited by Labcorp Genetics (formerly Invitae), Labcorp); PubMed 25335493 (cited by Labcorp Genetics (formerly Invitae), Labcorp); PubMed 25480913 (cited by Labcorp Genetics (formerly Invitae), Labcorp); PubMed 25795793 (cited by Labcorp Genetics (formerly Invitae), Labcorp); PubMed 29469822 (cited by Labcorp Genetics (formerly Invitae), Labcorp); PubMed 30368668 (cited by Labcorp Genetics (formerly Invitae), Labcorp); PubMed 30442762 (cited by Labcorp Genetics (formerly Invitae), Labcorp); PubMed 30442766 (cited by Labcorp Genetics (formerly Invitae), Labcorp); PubMed 30481304 (cited by Labcorp Genetics (formerly Invitae), Labcorp); PubMed 30859559 (cited by Labcorp Genetics (formerly Invitae), Labcorp); PubMed 31175295 (cited by Labcorp Genetics (formerly Invitae), Labcorp).